The following is an entry in ClinVar:

ClinVar aggregate classification (germline): Benign/Likely benign. Review status: criteria provided, multiple submitters, no conflicts (2 of 4 stars). 6 submissions from 6 submitters: Benign (3); Likely benign (3). Last evaluated 2025-10-02.

Conditions:
Atypical hemolytic-uremic syndrome. Identifiers: Orphanet 2134, MedGen C2931788, MONDO:0016244.
CFHR5 deficiency. Identifiers: MedGen C3553720.
CFH-Related Dense Deposit Disease / Membranoproliferative Glomerulonephritis Type II. Identifiers: MedGen CN071292.

Allele frequency attached by ClinVar (database versions not stated): gnomAD 0.00003 and 0.00045; ESP Exome Variant Server 0.00008; TOPMed 0.00018; gnomAD exomes 0.00097 and 0.00193; ExAC 0.00210; 1000 Genomes Project 0.00379; 1000 Genomes Project 30x 0.00406.
gnomAD v4.1: 1,505 of 1,613,088 alleles (0.093%); highest among the groups gnomAD compares: South Asian, 1.4%; 27 homozygotes.

Submissions (6):

Labcorp Genetics (formerly Invitae), Labcorp
Classification: Benign. Last evaluated: 2025-10-02. Review status: criteria provided, single submitter. Criteria: Invitae Variant Classification Sherloc (09022015). Collection method: clinical testing. Allele origin: germline.

CeGaT Center for Human Genetics Tuebingen
Classification: Benign. Last evaluated: 2024-07-01. Review status: criteria provided, single submitter. Criteria: CeGaT Center For Human Genetics Tuebingen Variant Classification Criteria Version 2. Collection method: clinical testing. Allele origin: germline. Affected: yes. Observed: 1 variant allele.
Comment: CFHR5: BP4, BS1, BS2

Mayo Clinic Laboratories, Mayo Clinic
Classification: Likely benign. Last evaluated: 2024-02-22. Review status: criteria provided, single submitter. Criteria: ACMG Guidelines, 2015. Collection method: clinical testing. Allele origin: germline. Observed: 2 variant alleles.
Comment: BS1, BS2, BP4

Genome-Nilou Lab
Classification: Likely benign for C3 glomerulonephritis. Last evaluated: 2023-04-11. Review status: criteria provided, single submitter. Criteria: ACMG Guidelines, 2015. Collection method: clinical testing. Allele origin: germline. Affected: no.

Genome Diagnostics Laboratory, The Hospital for Sick Children
Classification: Likely benign for Atypical hemolytic-uremic syndrome. Last evaluated: 2022-07-08. Review status: criteria provided, single submitter. Criteria: ACMG Guidelines, 2015. Collection method: clinical testing. Allele origin: germline.

Illumina Laboratory Services, Illumina
Classification: Benign for Membranoproliferative glomerulonephritis with complement factor h deficiency. Last evaluated: 2018-01-12. Review status: criteria provided, single submitter. Criteria: ICSL Variant Classification Criteria 13 December 2019. Collection method: clinical testing. Allele origin: germline.
Comment: This variant was observed in the ICSL laboratory as part of a predisposition screen in an ostensibly healthy population. It had not been previously curated by ICSL or reported in the Human Gene Mutation Database (HGMD: prior to June 1st, 2018), and was therefore a candidate for classification through an automated scoring system. Utilizing variant allele frequency, disease prevalence and penetrance estimates, and inheritance mode, an automated score was calculated to assess if this variant is too frequent to cause the disease. Based on the score and internal cut-off values, a variant classified as benign is not then subjected to further curation. The score for this variant resulted in a classification of benign for this disease.

Literature cited by the submitters: PubMed 30046676 (cited by Mayo Clinic Laboratories, Mayo Clinic); PubMed 31820418 (cited by Mayo Clinic Laboratories, Mayo Clinic); PubMed 34566977 (cited by Mayo Clinic Laboratories, Mayo Clinic); PubMed 37744338 (cited by Mayo Clinic Laboratories, Mayo Clinic); PubMed 37762692 (cited by Mayo Clinic Laboratories, Mayo Clinic).

NM_030787.4(CFHR5):c.329T>C (p.Val110Ala)

Gene: CFHR5 (complement factor H related 5; plus strand). Cytogenetic location: 1q31.3.
Variant type: single nucleotide variant.
Coding change: c.329T>C on transcript NM_030787.4 (MANE Select); coding-DNA position 329, T replaced by C.
Protein change: p.Val110Ala; replaces valine 110 with alanine.
Molecular consequence: missense variant.
Genome position (GRCh38, 1-based): chr1:196,984,036, T>C. VCF-style: chr1-196984036-T-C. GRCh37 (hg19) VCF-style: chr1-196953166-T-C.
Other names: p.Val110Ala; short protein forms V110A.
Identifiers: ClinVar variation 294536 (VCV000294536.33), dbSNP rs140691305, ClinGen allele CA1307697.